The following is an entry in ClinVar:

NM_006267.5(RANBP2):c.1847T>C (p.Ile616Thr)

Gene: RANBP2 (RAN binding protein 2; plus strand). Cytogenetic location: 2q13.
Variant type: single nucleotide variant.
Coding change: c.1847T>C on transcript NM_006267.5 (MANE Select); coding-DNA position 1847, T replaced by C.
Protein change: p.Ile616Thr; replaces isoleucine 616 with threonine.
Molecular consequence: missense variant.
Genome position (GRCh38, 1-based): chr2:108,753,089, T>C. VCF-style: chr2-108753089-T-C. GRCh37 (hg19) VCF-style: chr2-109369545-T-C.
Other names: short protein forms I616T.
Identifiers: ClinVar variation 1494041 (VCV001494041.8), dbSNP rs2149230281, ClinGen allele CA348051703.

ClinVar aggregate classification (germline): Uncertain significance (1 of 4 stars; one submission).

Conditions:
Familial acute necrotizing encephalopathy (IIAE3). Also called: ENCEPHALOPATHY, ACUTE, INFECTION-INDUCED, SUSCEPTIBILITY TO, 3; Susceptibility to Acute Necrotizing Encephalopathy 1. Identifiers: Orphanet 88619, MedGen C2675556, MONDO:0011953, OMIM 608033.

gnomAD v4.1: 1 of 1,610,120 alleles (0.000062%); highest among the groups gnomAD compares: Non-Finnish European, 0.000085%; no homozygotes.

Submission:

Labcorp Genetics (formerly Invitae), Labcorp
Classification: Uncertain significance for Familial acute necrotizing encephalopathy. Last evaluated: 2022-08-16. Review status: criteria provided, single submitter. Criteria: Invitae Variant Classification Sherloc (09022015). Collection method: clinical testing. Allele origin: germline.
Comment: This sequence change replaces isoleucine, which is neutral and non-polar, with threonine, which is neutral and polar, at codon 616 of the RANBP2 protein (p.Ile616Thr). This variant is not present in population databases (gnomAD no frequency). This variant has not been reported in the literature in individuals affected with RANBP2-related conditions. ClinVar contains an entry for this variant (Variation ID: 1494041). Algorithms developed to predict the effect of missense changes on protein structure and function are either unavailable or do not agree on the potential impact of this missense change (SIFT: "Deleterious"; PolyPhen-2: "Benign"; Align-GVGD: "Class C65"). In summary, the available evidence is currently insufficient to determine the role of this variant in disease. Therefore, it has been classified as a Variant of Uncertain Significance.